The following is an entry in ClinVar:

NM_001142864.4(PIEZO1):c.5403+2T>G

Gene: PIEZO1 (piezo type mechanosensitive ion channel component 1 (Er blood group); minus strand). Cytogenetic location: 16q24.3.
Variant type: single nucleotide variant.
Coding change: c.5403+2T>G on transcript NM_001142864.4 (MANE Select); the canonical splice donor site of the intron after coding-DNA position 5403, T replaced by G.
Molecular consequence: splice donor variant.
Genome position (GRCh38, 1-based): chr16:88,721,536, A>C on the plus strand (T>G on the coding strand, the complement: PIEZO1 is on the minus strand). VCF-style: chr16-88721536-A-C. GRCh37 (hg19) VCF-style: chr16-88787944-A-C.
Other names: p.?.
Identifiers: ClinVar variation 3380419 (VCV003380419.1).

ClinVar aggregate classification (germline): Uncertain significance (1 of 4 stars; one submission).

gnomAD v4.1: 1 of 1,547,762 alleles (0.000065%); highest among the groups gnomAD compares: Non-Finnish European, 0.000087%; no homozygotes.

Submission:

Mayo Clinic Laboratories, Mayo Clinic
Classification: Uncertain significance. Last evaluated: 2024-08-30. Review status: criteria provided, single submitter. Criteria: ACMG Guidelines, 2015. Collection method: clinical testing. Allele origin: germline. Observed: 1 variant allele.
Comment: PM2, PVS1_strong

Literature cited by the submitters: PubMed 34358671.